The following is an entry in ClinVar:

NM_001378454.1(ALMS1):c.10120dup (p.Ser3374fs)

Gene: ALMS1 (ALMS1 centrosome and basal body associated protein; plus strand). Cytogenetic location: 2p13.1.
Variant type: Duplication.
Coding change: c.10120dup on transcript NM_001378454.1 (MANE Select); coding-DNA position 10120, one base duplicated (T; older notation c.10120dupT).
Protein change: p.Ser3374fs; shifts the reading frame from serine 3374.
Molecular consequence: frameshift variant.
Genome position (GRCh38, 1-based): chr2:73,557,261, T duplicated. VCF-style (leftmost placement, unchanged base first): chr2-73557260-C-CT. GRCh37 (hg19) VCF-style: chr2-73784387-C-CT.
Other names: c.10123dup, p.Ser3375fs (NM_015120.4); short protein forms S3374fs, S3375fs.
Identifiers: ClinVar variation 3649947 (VCV003649947.3).

ClinVar aggregate classification (germline): Pathogenic/Likely pathogenic. Review status: criteria provided, multiple submitters, no conflicts (2 of 4 stars). 2 submissions from 2 submitters: Pathogenic (1); Likely pathogenic (1). Last evaluated 2026-01-26.

Conditions:
Alstrom syndrome (ALMS). Identifiers: Orphanet 64, MedGen C0268425, MONDO:0008763, OMIM 203800.

Submissions (2):

Clinical Genomics Laboratory, Washington University in St. Louis
Classification: Likely pathogenic for Alstrom syndrome. Last evaluated: 2026-01-26. Review status: criteria provided, single submitter. Criteria: ACMG Guidelines, 2015. Collection method: clinical testing. Allele origin: germline. Affected: yes.
Comment: The ALMS1 c.10120dup (p.Ser3374Phefs*16) variant, to our knowledge, has not been reported in the medical literature. This variant has been reported in the ClinVar database as a germline pathogenic variant by one submitter. This variant is absent from the general population (gnomAD v.4.1.0), indicating it is not a common variant. This variant causes a frameshift by inserting one nucleotide, leading to a premature termination codon, which is predicted to lead to nonsense-mediated decay. Based on available information and the ACMG/AMP guidelines for variant interpretation (Richards S et al., PMID: 25741868), this variant is classified as pathogenic.

Labcorp Genetics (formerly Invitae), Labcorp
Classification: Pathogenic for Alstrom syndrome. Last evaluated: 2025-11-22. Review status: criteria provided, single submitter. Criteria: Invitae Variant Classification Sherloc (09022015). Collection method: clinical testing. Allele origin: germline.
Comment: This sequence change creates a premature translational stop signal (p.Ser3375Phefs*16) in the ALMS1 gene. It is expected to result in an absent or disrupted protein product. Loss-of-function variants in ALMS1 are known to be pathogenic (PMID: 17594715). This variant is not present in population databases (gnomAD no frequency). This variant has not been reported in the literature in individuals affected with ALMS1-related conditions. ClinVar contains an entry for this variant (Variation ID: 3649947). For these reasons, this variant has been classified as Pathogenic.

Literature cited by the submitters: PubMed 17594715 (cited by Labcorp Genetics (formerly Invitae), Labcorp).